The following is an entry in ClinVar:

NM_001379150.1(IRS4):c.1702C>T (p.His568Tyr)

Gene: IRS4 (insulin receptor substrate 4; minus strand). Cytogenetic location: Xq22.3.
Variant type: single nucleotide variant.
Coding change: c.1702C>T on transcript NM_001379150.1 (MANE Select); coding-DNA position 1702, C replaced by T.
Protein change: p.His568Tyr; replaces histidine 568 with tyrosine.
Molecular consequence: missense variant.
Genome position (GRCh38, 1-based): chrX:108,734,643, G>A on the plus strand (C>T on the coding strand, the complement: IRS4 is on the minus strand). VCF-style: chrX-108734643-G-A. GRCh37 (hg19) VCF-style: chrX-107977873-G-A.
Other names: c.1702C>T, p.His568Tyr (NM_003604.2); short protein forms H568Y.
Identifiers: ClinVar variation 2499351 (VCV002499351.2), dbSNP rs1569511169, ClinGen allele CA414204525.

ClinVar aggregate classification (germline): Uncertain significance (1 of 4 stars; one submission).

Allele frequency attached by ClinVar (database versions not stated): gnomAD exomes below 0.00001.
gnomAD v4.1: 2 of 1,210,849 alleles (0.00017%); highest among the groups gnomAD compares: Non-Finnish European, 0.00022%; no homozygotes.

Submission:

GeneDx
Classification: Uncertain significance. Last evaluated: 2026-08-21. Review status: criteria provided, single submitter. Criteria: GeneDx Variant Classification Process June 2021. Collection method: clinical testing. Allele origin: germline.
Comment: In silico analysis suggests that this missense variant does not alter protein structure/function; Has not been previously published as pathogenic or benign to our knowledge